The following is an entry in ClinVar:

ClinVar aggregate classification (germline): Uncertain significance (1 of 4 stars; one submission).

Conditions:
Familial cancer of breast. Also called: hereditary breast carcinoma; BREAST CANCER, FAMILIAL; Hereditary breast cancer. Identifiers: Orphanet 227535, MedGen C0346153, MONDO:0016419, OMIM 114480. Disease mechanism: loss of function.
Fanconi anemia complementation group J. Also called: BRIP1-Related Fanconi Anemia. Identifiers: Orphanet 84, MedGen C1836860, MONDO:0012187, OMIM 609054.

Submission:

Labcorp Genetics (formerly Invitae), Labcorp
Classification: Uncertain significance for Familial cancer of breast; Fanconi anemia complementation group J. Last evaluated: 2020-08-06. Review status: criteria provided, single submitter. Criteria: Invitae Variant Classification Sherloc (09022015). Collection method: clinical testing. Allele origin: germline.
Comment: This sequence change replaces leucine with methionine at codon 1008 of the BRIP1 protein (p.Leu1008Met). The leucine residue is weakly conserved and there is a small physicochemical difference between leucine and methionine. This variant is not present in population databases (ExAC no frequency). This variant has not been reported in the literature in individuals with BRIP1-related conditions. Algorithms developed to predict the effect of missense changes on protein structure and function (SIFT, PolyPhen-2, Align-GVGD) all suggest that this variant is likely to be tolerated, but these predictions have not been confirmed by published functional studies and their clinical significance is uncertain. In summary, the available evidence is currently insufficient to determine the role of this variant in disease. Therefore, it has been classified as a Variant of Uncertain Significance.

NM_032043.3(BRIP1):c.3022T>A (p.Leu1008Met)

Gene: BRIP1 (BRCA1 interacting DNA helicase 1; minus strand). Cytogenetic location: 17q23.2.
Variant type: single nucleotide variant.
Coding change: c.3022T>A on transcript NM_032043.3 (MANE Select); coding-DNA position 3022, T replaced by A.
Protein change: p.Leu1008Met; replaces leucine 1008 with methionine.
Molecular consequence: missense variant.
Genome position (GRCh38, 1-based): chr17:61,684,024, A>T on the plus strand (T>A on the coding strand, the complement: BRIP1 is on the minus strand). VCF-style: chr17-61684024-A-T. GRCh37 (hg19) VCF-style: chr17-59761385-A-T.
Other names: short protein forms L1008M.
Identifiers: ClinVar variation 1001713 (VCV001001713.9), dbSNP rs1165704345, ClinGen allele CA400479973.